The following is an entry in ClinVar:

NM_197968.4(ZMYM2):c.4118A>G (p.Asp1373Gly)

Gene: ZMYM2 (zinc finger MYM-type containing 2; plus strand). Cytogenetic location: 13q12.11.
Variant type: single nucleotide variant.
Coding change: c.4118A>G on transcript NM_197968.4 (MANE Select); coding-DNA position 4118, A replaced by G.
Protein change: p.Asp1373Gly; replaces aspartic acid 1373 with glycine.
Molecular consequence: missense variant. On other transcripts: non-coding transcript variant (1).
Genome position (GRCh38, 1-based): chr13:20,085,998, A>G. VCF-style: chr13-20085998-A-G. GRCh37 (hg19) VCF-style: chr13-20660138-A-G.
Other names: c.4118A>G, p.Asp1373Gly (NM_001190964.4, NM_001190965.4, NM_001353157.2 and 4 more transcripts); c.3923A>G, p.Asp1308Gly (NM_001353161.3); c.3857A>G, p.Asp1286Gly (NM_001353163.2); short protein forms D1286G, D1308G, D1373G.
Identifiers: ClinVar variation 3233976 (VCV003233976.3), dbSNP rs2504710359, ClinGen allele CA387470695.
Genomic context (GRCh38, chr13:20,085,998, plus strand): 5'-ATATGCTTGTACGGGTTCTTCTAGTAAAAGATATTTATGATAAAGACAATTATGAACTGG[A>G]TGAAGACACAGACTAAAAAGGAACGTTGCAGAAGCAATCGGGATAAAACAGCATTAGATA-3'
Protein context (NP_932072.1, residues 1363-1377): DIYDKDNYEL[Asp1373Gly]EDTD

ClinVar aggregate classification (germline): Uncertain significance (1 of 4 stars; one submission).

Submission:

Women's Health and Genetics/Laboratory Corporation of America, LabCorp
Classification: Uncertain significance. Last evaluated: 2025-09-11. Review status: criteria provided, single submitter. Criteria: LabCorp Variant Classification Summary - May 2015. Collection method: clinical testing. Allele origin: germline.
Comment: Variant summary: ZMYM2 c.4118A>G (p.Asp1373Gly) results in a non-conservative amino acid change in the encoded protein sequence. Algorithms developed to predict the effect of missense changes on protein structure and function are either unavailable or do not agree on the potential impact of this missense change. The variant was absent in 248546 control chromosomes. The available data on variant occurrences in the general population are insufficient to allow any conclusion about variant significance. To our knowledge, no occurrence of c.4118A>G in individuals affected with ZMYM2-related conditions and no experimental evidence demonstrating its impact on protein function have been reported. ClinVar contains an entry for this variant (Variation ID: 3233976). Based on the evidence outlined above, the variant was classified as uncertain significance.